The following is an entry in ClinVar:

NM_014244.5(ADAMTS2):c.102_123dup (p.Ala42fs)

Gene: ADAMTS2 (ADAM metallopeptidase with thrombospondin type 1 motif 2; minus strand). Cytogenetic location: 5q35.3.
Variant type: Duplication.
Coding change: c.102_123dup on transcript NM_014244.5 (MANE Select); coding-DNA positions 102 to 123, 22 bases duplicated (CGCGAACGCCAGGCTCGCCGCC).
Protein change: p.Ala42fs; shifts the reading frame from alanine 42.
Molecular consequence: frameshift variant.
Genome position (GRCh38, 1-based): chr5:179,345,206-179,345,227, GGCGGCGAGCCTGGCGTTCGCG duplicated on the plus strand (CGCGAACGCCAGGCTCGCCGCC on the coding strand, the reverse complement: ADAMTS2 is on the minus strand); duplicating any 22 consecutive bases within chr5:179,345,206-179,345,234 gives the same sequence; the c. name uses the placement nearest the transcript's 3' end. VCF-style (leftmost placement, unchanged base first): chr5-179345205-C-CGGCGGCGAGCCTGGCGTTCGCG. GRCh37 (hg19) VCF-style: chr5-178772206-C-CGGCGGCGAGCCTGGCGTTCGCG.
Other names: c.102_123dup, p.Ala42fs (NM_021599.4); short protein forms A42fs.
Identifiers: ClinVar variation 1394405 (VCV001394405.8), dbSNP rs1757906798, ClinGen allele CA1085000575.
Genomic context (GRCh38, chr5:179,345,205, plus strand): 5'-CAGGCCGGCGGGGGTCCCGGGGAGTAGGGGCCGGGCCGCACCTACCTGGGGGGTCGGCGG[C>CGGCGGCGAGCCTGGCGTTCGCG]GGCGGCGAGCCTGGCGTTCGCGGGCGGCGGCGGCGGCGGCAGGAGCGGCGGCGGCAGCAG-3'

ClinVar aggregate classification (germline): Pathogenic/Likely pathogenic. Review status: criteria provided, multiple submitters, no conflicts (2 of 4 stars). 2 submissions from 2 submitters: Pathogenic (1); Likely pathogenic (1). Last evaluated 2025-12-14.

Conditions:
Ehlers-Danlos syndrome, dermatosparaxis type. Also called: EDS VIIC; Ehlers-Danlos syndrome, type VII, autosomal recessive; Dermatosparaxis. Identifiers: Orphanet 1901, MedGen C2700425, MONDO:0009161, OMIM 225410.

Submissions (2):

Labcorp Genetics (formerly Invitae), Labcorp
Classification: Pathogenic for Ehlers-Danlos syndrome, dermatosparaxis type. Last evaluated: 2025-12-14. Review status: criteria provided, single submitter. Criteria: Invitae Variant Classification Sherloc (09022015). Collection method: clinical testing. Allele origin: germline.
Comment: This sequence change creates a premature translational stop signal (p.Ala42Argfs*31) in the ADAMTS2 gene. It is expected to result in an absent or disrupted protein product. Loss-of-function variants in ADAMTS2 are known to be pathogenic (PMID: 10417273). This variant is not present in population databases (gnomAD no frequency). This variant has not been reported in the literature in individuals affected with ADAMTS2-related conditions. ClinVar contains an entry for this variant (Variation ID: 1394405). For these reasons, this variant has been classified as Pathogenic.

Fulgent Genetics
Classification: Likely pathogenic for Ehlers-Danlos syndrome, dermatosparaxis type. Last evaluated: 2024-05-06. Review status: criteria provided, single submitter. Criteria: ACMG Guidelines, 2015. Collection method: clinical testing. Allele origin: germline.

Literature cited by the submitters: PubMed 10417273 (cited by Labcorp Genetics (formerly Invitae), Labcorp).